The following is an entry in ClinVar:

ClinVar aggregate classification (germline): Uncertain significance (1 of 4 stars; one submission).

Submission:

Labcorp Genetics (formerly Invitae), Labcorp
Classification: Uncertain significance. Last evaluated: 2025-07-14. Review status: criteria provided, single submitter. Criteria: Invitae Variant Classification Sherloc (09022015). Collection method: clinical testing. Allele origin: germline.
Comment: This sequence change replaces valine, which is neutral and non-polar, with leucine, which is neutral and non-polar, at codon 63 of the LHCGR protein (p.Val63Leu). This variant is not present in population databases (gnomAD no frequency). This variant has not been reported in the literature in individuals affected with LHCGR-related conditions. ClinVar contains an entry for this variant (Variation ID: 3695583). Invitae Evidence Modeling of protein sequence and biophysical properties (such as structural, functional, and spatial information, amino acid conservation, physicochemical variation, residue mobility, and thermodynamic stability) indicates that this missense variant is not expected to disrupt LHCGR protein function with a negative predictive value of 80%. In summary, the available evidence is currently insufficient to determine the role of this variant in disease. Therefore, it has been classified as a Variant of Uncertain Significance.

NM_000233.4(LHCGR):c.187G>C (p.Val63Leu)

Genes: LHCGR (luteinizing hormone/choriogonadotropin receptor; minus strand), STON1-GTF2A1L (STON1-GTF2A1L readthrough; plus strand). Cytogenetic location: 2p16.3.
Variant type: single nucleotide variant.
Coding change: c.187G>C on transcript NM_000233.4 (MANE Select); coding-DNA position 187, G replaced by C.
Protein change: p.Val63Leu; replaces valine 63 with leucine.
Molecular consequence: missense variant. On other transcripts: intron variant (1).
Genome position (GRCh38, 1-based): chr2:48,731,273, C>G on the plus strand (G>C on the coding strand, the complement: LHCGR is on the minus strand). VCF-style: chr2-48731273-C-G. GRCh37 (hg19) VCF-style: chr2-48958412-C-G.
Other names: c.3442-45007C>G (NM_001198593.2); short protein forms V63L.
Identifiers: ClinVar variation 3695583 (VCV003695583.2).
Genomic context (GRCh38, chr2:48,731,273, plus strand): 5'-AGTAACTTACTTACATTTTTATGACCTCATTAAGTCCTCTGAAAGCTTGAGATGGGATCA[C>G]TTTGACAGGGAGGTAGGCAAGTGATCTAGAAAAGAAAAAAGGAAATCCAAGAGTTTAAGA-3'
Protein context (NP_000224.2, residues 53-73): RLSLAYLPVK[Val63Leu]IPSQAFRGLN